The following is an entry in ClinVar:

ClinVar aggregate classification (germline): Uncertain significance. Review status: criteria provided, multiple submitters, no conflicts (2 of 4 stars). 2 submissions from 2 submitters: Uncertain significance (2). Last evaluated 2025-01-24.

gnomAD v4.1: 19 of 1,612,852 alleles (0.0012%); highest among the groups gnomAD compares: Admixed American, 0.0033%; no homozygotes.

Submissions (2):

Ambry Genetics
Classification: Uncertain significance. Last evaluated: 2025-01-24. Review status: criteria provided, single submitter. Criteria: Ambry Variant Classification Scheme 2023. Collection method: clinical testing. Allele origin: germline.

Women's Health and Genetics/Laboratory Corporation of America, LabCorp
Classification: Uncertain significance. Last evaluated: 2024-05-07. Review status: criteria provided, single submitter. Criteria: LabCorp Variant Classification Summary - May 2015. Collection method: clinical testing. Allele origin: germline.
Comment: Variant summary: PLA2G7 c.172C>T (p.Arg58Trp) results in a non-conservative amino acid change in the encoded protein sequence. Three of five in-silico tools predict a damaging effect of the variant on protein function. The variant allele was found at a frequency of 4e-06 in 251398 control chromosomes. The available data on variant occurrences in the general population are insufficient to allow any conclusion about variant significance. To our knowledge, no occurrence of c.172C>T in individuals affected with Platelet-Activating Factor Acetylhydrolase Deficiency and no experimental evidence demonstrating its impact on protein function have been reported. No submitters have cited clinical-significance assessments for this variant to ClinVar. Based on the evidence outlined above, the variant was classified as uncertain significance.

NM_005084.4(PLA2G7):c.172C>T (p.Arg58Trp)

Gene: PLA2G7 (phospholipase A2 group VII; minus strand). Cytogenetic location: 6p12.3.
Variant type: single nucleotide variant.
Coding change: c.172C>T on transcript NM_005084.4 (MANE Select); coding-DNA position 172, C replaced by T.
Protein change: p.Arg58Trp; replaces arginine 58 with tryptophan.
Molecular consequence: missense variant.
Genome position (GRCh38, 1-based): chr6:46,717,034, G>A on the plus strand (C>T on the coding strand, the complement: PLA2G7 is on the minus strand). VCF-style: chr6-46717034-G-A. GRCh37 (hg19) VCF-style: chr6-46684771-G-A.
Other names: c.172C>T, p.Arg58Trp (NM_001168357.2); c.172C>T (NM_005084.3); short protein forms R58W.
Identifiers: ClinVar variation 3336112 (VCV003336112.2).